The following is an entry in ClinVar:

NM_000293.3(PHKB):c.1205G>A (p.Gly402Glu)

Gene: PHKB (phosphorylase kinase regulatory subunit beta; plus strand). Cytogenetic location: 16q12.1.
Variant type: single nucleotide variant.
Coding change: c.1205G>A on transcript NM_000293.3 (MANE Select); coding-DNA position 1205, G replaced by A.
Protein change: p.Gly402Glu; replaces glycine 402 with glutamic acid.
Molecular consequence: missense variant.
Genome position (GRCh38, 1-based): chr16:47,596,373, G>A. VCF-style: chr16-47596373-G-A. GRCh37 (hg19) VCF-style: chr16-47630284-G-A.
Other names: c.1184G>A, p.Gly395Glu (NM_001031835.3); c.1205G>A, p.Gly402Glu (NM_001363837.1); short protein forms G395E, G402E.
Identifiers: ClinVar variation 2072159 (VCV002072159.3), dbSNP rs753006574, ClinGen allele CA8040750.

ClinVar aggregate classification (germline): Uncertain significance. Review status: criteria provided, multiple submitters, no conflicts (2 of 4 stars). 2 submissions from 2 submitters: Uncertain significance (2). Last evaluated 2024-08-08.

Conditions:
Glycogen storage disease IXb (GSD9B). Also called: GLYCOGENOSIS OF LIVER AND MUSCLE, AUTOSOMAL RECESSIVE; GSD IXb; PHOSPHORYLASE KINASE DEFICIENCY OF LIVER AND MUSCLE, AUTOSOMAL RECESSIVE. Identifiers: Orphanet 79240, MedGen C0543514, MONDO:0009868, OMIM 261750.

Allele frequency attached by ClinVar (database versions not stated): ExAC 0.00003; gnomAD 0.00007; TOPMed 0.00008.
gnomAD v4.1: 261 of 1,590,004 alleles (0.016%); highest among the groups gnomAD compares: Non-Finnish European, 0.022%; no homozygotes.

Submissions (2):

Labcorp Genetics (formerly Invitae), Labcorp
Classification: Uncertain significance for Glycogen storage disease IXb. Last evaluated: 2024-08-08. Review status: criteria provided, single submitter. Criteria: Invitae Variant Classification Sherloc (09022015). Collection method: clinical testing. Allele origin: germline.
Comment: This sequence change replaces glycine, which is neutral and non-polar, with glutamic acid, which is acidic and polar, at codon 402 of the PHKB protein (p.Gly402Glu). This variant is present in population databases (rs753006574, gnomAD 0.01%). This variant has not been reported in the literature in individuals affected with PHKB-related conditions. ClinVar contains an entry for this variant (Variation ID: 2072159). An algorithm developed to predict the effect of missense changes on protein structure and function (PolyPhen-2) suggests that this variant is likely to be disruptive. In summary, the available evidence is currently insufficient to determine the role of this variant in disease. Therefore, it has been classified as a Variant of Uncertain Significance.

Blueprint Genetics
Classification: Uncertain significance. Last evaluated: 2022-07-08. Review status: criteria provided, single submitter. Criteria: ACMG Guidelines, 2015. Collection method: clinical testing. Allele origin: germline.